The following is an entry in ClinVar:

NM_020207.7(ERCC6L2):c.3823G>A (p.Val1275Met)

Gene: ERCC6L2 (ERCC excision repair 6 like 2; plus strand). Cytogenetic location: 9q22.32.
Variant type: single nucleotide variant.
Coding change: c.3823G>A on transcript NM_020207.7 (MANE Select); coding-DNA position 3823, G replaced by A.
Protein change: p.Val1275Met; replaces valine 1275 with methionine.
Molecular consequence: missense variant. On other transcripts: non-coding transcript variant (1), intron variant (2).
Genome position (GRCh38, 1-based): chr9:96,012,373, G>A. VCF-style: chr9-96012373-G-A. GRCh37 (hg19) VCF-style: chr9-98774655-G-A.
Other names: c.3674+7672G>A (NM_001375291.1, NM_001375292.1); short protein forms V1275M.
Identifiers: ClinVar variation 1495339 (VCV001495339.3), dbSNP rs770975546, ClinGen allele CA5140004.

ClinVar aggregate classification (germline): Uncertain significance (1 of 4 stars; one submission).

Allele frequency attached by ClinVar (database versions not stated): gnomAD exomes below 0.00001; ExAC 0.00001.
gnomAD v4.1: 4 of 1,362,124 alleles (0.00029%); highest among the groups gnomAD compares: East Asian, 0.0046%; no homozygotes.

Submission:

Labcorp Genetics (formerly Invitae), Labcorp
Classification: Uncertain significance. Last evaluated: 2021-11-22. Review status: criteria provided, single submitter. Criteria: Invitae Variant Classification Sherloc (09022015). Collection method: clinical testing. Allele origin: germline.
Comment: This sequence change replaces valine, which is neutral and non-polar, with methionine, which is neutral and non-polar, at codon 1286 of the ERCC6L2 protein (p.Val1286Met). This variant is present in population databases (rs770975546, gnomAD 0.006%). This variant has not been reported in the literature in individuals affected with ERCC6L2-related conditions. Algorithms developed to predict the effect of missense changes on protein structure and function are either unavailable or do not agree on the potential impact of this missense change (SIFT: "Tolerated"; PolyPhen-2: "Not Available"; Align-GVGD: "Class C0"). In summary, the available evidence is currently insufficient to determine the role of this variant in disease. Therefore, it has been classified as a Variant of Uncertain Significance.